The following is an entry in ClinVar:

ClinVar aggregate classification (germline): Conflicting classifications of pathogenicity. Review status: criteria provided, conflicting classifications (1 of 4 stars). 7 submissions from 7 submitters: Uncertain significance (2); Likely benign (4). 1 of the submissions does not count toward it. Last evaluated 2026-07-01.

Conditions:
IGF1R-related disorder. Also called: IGF1R-related condition.
Growth delay due to insulin-like growth factor I resistance. Also called: Insulin-Like Growth Factor I Resistance; Somatomedin end-organ insensitivity to; Somatomedin-c resistance to; IGF-1 resistance; IGF-I RESISTANCE. Identifiers: Orphanet 73273, MedGen C1849157, MONDO:0010038, OMIM 270450.

Allele frequency attached by ClinVar (database versions not stated): ESP Exome Variant Server 0.00023; 1000 Genomes Project 30x 0.00031; 1000 Genomes Project 0.00040; gnomAD 0.00044 and 0.00052; TOPMed 0.00055; ExAC 0.00078; gnomAD exomes 0.00080 and 0.00089.

Submissions (7):

CeGaT Center for Human Genetics Tuebingen
Classification: Likely benign. Last evaluated: 2026-07-01. Review status: criteria provided, single submitter. Criteria: CeGaT Center For Human Genetics Tuebingen Variant Classification Criteria Version 2. Collection method: clinical testing. Allele origin: germline. Affected: yes. Observed: 2 variant alleles.
Comment: IGF1R: BP4

Women's Health and Genetics/Laboratory Corporation of America, LabCorp
Classification: Likely benign. Last evaluated: 2026-06-03. Review status: criteria provided, single submitter. Criteria: LabCorp Variant Classification Summary - May 2015. Collection method: clinical testing. Allele origin: germline.
Comment: Variant summary: IGF1R c.568C>T (p.Pro190Ser) results in a non-conservative amino acid change in the encoded protein sequence. Algorithms developed to predict the effect of missense changes on protein structure and function are either unavailable or do not agree on the potential impact of this missense change. The variant allele was found at a frequency of 0.0008 in 250638 control chromosomes, predominantly at a frequency of 0.0025 within the South Asian subpopulation in the gnomAD database, including 2 homozygotes. The observed variant frequency within South Asian control individuals in the gnomAD database exceeds the estimated maximal expected allele frequency for disease-causing variants in IGF1R. To our knowledge, no occurrence of c.568C>T in individuals affected with IGF1R-related conditions and no experimental evidence demonstrating its impact on protein function have been reported. ClinVar contains an entry for this variant (Variation ID: 195101). Based on the evidence outlined above, the variant was classified as likely benign.

Labcorp Genetics (formerly Invitae), Labcorp
Classification: Likely benign. Last evaluated: 2025-11-24. Review status: criteria provided, single submitter. Criteria: Invitae Variant Classification Sherloc (09022015). Collection method: clinical testing. Allele origin: germline.

Blueprint Genetics
Classification: Likely benign. Last evaluated: 2024-11-04. Review status: criteria provided, single submitter. Criteria: ACMG Guidelines, 2015. Collection method: clinical testing. Allele origin: germline.

Illumina Laboratory Services, Illumina
Classification: Uncertain significance for Growth delay due to insulin-like growth factor I resistance. Last evaluated: 2017-04-27. Review status: criteria provided, single submitter. Criteria: ICSL Variant Classification Criteria 13 December 2019. Collection method: clinical testing. Allele origin: germline.

Eurofins Ntd Llc (ga)
Classification: Uncertain significance. Last evaluated: 2015-04-01. Review status: criteria provided, single submitter. Criteria: EGL Classification Definitions 2015. Collection method: clinical testing. Allele origin: germline. Observed: 1 variant allele, 1 heterozygote.

PreventionGenetics, part of Exact Sciences
Classification: Likely benign for IGF1R-related condition. Last evaluated: 2023-05-09. Review status: no assertion criteria provided. Collection method: clinical testing. Allele origin: germline. Not counted in ClinVar's aggregate classification.
Comment: This variant is classified as likely benign based on ACMG/AMP sequence variant interpretation guidelines (Richards et al. 2015 PMID: 25741868, with internal and published modifications).

NM_000875.5(IGF1R):c.568C>T (p.Pro190Ser)

Gene: IGF1R (insulin like growth factor 1 receptor; plus strand). Cytogenetic location: 15q26.3.
Variant type: single nucleotide variant.
Coding change: c.568C>T on transcript NM_000875.5 (MANE Select); coding-DNA position 568, C replaced by T.
Protein change: p.Pro190Ser; replaces proline 190 with serine.
Molecular consequence: missense variant.
Genome position (GRCh38, 1-based): chr15:98,708,035, C>T. VCF-style: chr15-98708035-C-T. GRCh37 (hg19) VCF-style: chr15-99251264-C-T.
Other names: c.568C>T (NM_000875.4); c.568C>T, p.Pro190Ser (NM_001291858.2); short protein forms P190S.
Identifiers: ClinVar variation 195101 (VCV000195101.35), dbSNP rs144739747, ClinGen allele CA241372.